The following is an entry in ClinVar:

ClinVar aggregate classification (germline): Pathogenic (1 of 4 stars; one submission).

Conditions:
Inborn genetic diseases. Identifiers: MedGen C0950123, MeSH D030342.

gnomAD v4.1: 38 of 1,614,160 alleles (0.0024%); highest among the groups gnomAD compares: Middle Eastern, 0.033%; no homozygotes.

Submission:

Ambry Genetics
Classification: Pathogenic for Inborn genetic diseases. Last evaluated: 2025-12-18. Review status: criteria provided, single submitter. Criteria: Ambry Variant Classification Scheme 2023. Collection method: clinical testing. Allele origin: germline.
Comment: The c.1273C>T (p.R425*) alteration, located in exon 8 (coding exon 8) of the TSPEAR gene, consists of a C to T substitution at nucleotide position 1273. This changes the amino acid from a arginine (R) to a stop codon at amino acid position 425. This alteration is expected to result in loss of function by premature protein truncation or nonsense-mediated mRNA decay. Based on data from gnomAD, the T allele has an overall frequency of 0.003% (7/282850) total alleles studied. The highest observed frequency was 0.014% (1/7228) of Other alleles. Based on the available evidence, this alteration is classified as pathogenic.

NM_144991.3(TSPEAR):c.1273C>T (p.Arg425Ter)

Gene: TSPEAR (thrombospondin type laminin G domain and EAR repeats; minus strand). Cytogenetic location: 21q22.3.
Variant type: single nucleotide variant.
Coding change: c.1273C>T on transcript NM_144991.3 (MANE Select); coding-DNA position 1273, C replaced by T.
Protein change: p.Arg425Ter; replaces arginine 425 with a stop codon.
Molecular consequence: nonsense.
Genome position (GRCh38, 1-based): chr21:44,525,716, G>A on the plus strand (C>T on the coding strand, the complement: TSPEAR is on the minus strand). VCF-style: chr21-44525716-G-A. GRCh37 (hg19) VCF-style: chr21-45945599-G-A.
Other names: c.1069C>T, p.Arg357Ter (NM_001272037.2); short protein forms R357*, R425*.
Identifiers: ClinVar variation 4828957 (VCV004828957.1).